The following is an entry in ClinVar:

ClinVar aggregate classification (germline): Uncertain significance (1 of 4 stars; one submission).

Conditions:
Neurodevelopmental disorder with structural brain anomalies and dysmorphic facies (NEDBAF). Identifiers: Orphanet 659609, MedGen C5231416, MONDO:0032820, OMIM 618577.

Submission:

Juno Genomics, Hangzhou Juno Genomics, Inc
Classification: Uncertain significance for Neurodevelopmental disorder with structural brain anomalies and dysmorphic facies. Review status: criteria provided, single submitter. Criteria: ACMG Guidelines, 2015. Collection method: clinical testing. Allele origin: germline.
Comment: Absent from controls (or at extremely low frequency if recessive) in Genome Aggregation Database.;Multiple lines of computational evidence support a deleterious effect on the gene or gene product.

NM_005052.3(RAC3):c.289-41G>T

Gene: RAC3 (Rac family small GTPase 3; plus strand). Cytogenetic location: 17q25.3.
Variant type: single nucleotide variant.
Coding change: c.289-41G>T on transcript NM_005052.3 (MANE Select); 41 bases into the intron before coding-DNA position 289, G replaced by T.
Molecular consequence: intron variant.
Genome position (GRCh38, 1-based): chr17:82,033,399, G>T. VCF-style: chr17-82033399-G-T. GRCh37 (hg19) VCF-style: chr17-79991275-G-T.
Other names: c.289-41G>T (NM_001316307.2).
Identifiers: ClinVar variation 5005857 (VCV005005857.2).